The following is an entry in ClinVar:

NM_000552.5(VWF):c.2803G>A (p.Glu935Lys)

Gene: VWF (von Willebrand factor; minus strand). Cytogenetic location: 12p13.31.
Variant type: single nucleotide variant.
Coding change: c.2803G>A on transcript NM_000552.5 (MANE Select); coding-DNA position 2803, G replaced by A.
Protein change: p.Glu935Lys; replaces glutamic acid 935 with lysine.
Molecular consequence: missense variant.
Genome position (GRCh38, 1-based): chr12:6,031,461, C>T on the plus strand (G>A on the coding strand, the complement: VWF is on the minus strand). VCF-style: chr12-6031461-C-T. GRCh37 (hg19) VCF-style: chr12-6140627-C-T.
Other names: short protein forms E935K.
Identifiers: ClinVar variation 3774949 (VCV003774949.1).

ClinVar aggregate classification (germline): Uncertain significance (1 of 4 stars; one submission).

gnomAD v4.1: 4 of 1,614,174 alleles (0.00025%); highest among the groups gnomAD compares: South Asian, 0.0022%; no homozygotes.

Submission:

GeneDx
Classification: Uncertain significance. Last evaluated: 2024-09-25. Review status: criteria provided, single submitter. Criteria: GeneDx Variant Classification Process June 2021. Collection method: clinical testing. Allele origin: germline. Affected: yes.
Comment: In silico analysis indicates that this missense variant does not alter protein structure/function; Has not been previously published as pathogenic or benign to our knowledge